The following is an entry in ClinVar:

NM_000447.3(PSEN2):c.328C>T (p.Arg110Cys)

Gene: PSEN2 (presenilin 2; plus strand). Cytogenetic location: 1q42.13.
Variant type: single nucleotide variant.
Coding change: c.328C>T on transcript NM_000447.3 (MANE Select); coding-DNA position 328, C replaced by T.
Protein change: p.Arg110Cys; replaces arginine 110 with cysteine.
Molecular consequence: missense variant.
Genome position (GRCh38, 1-based): chr1:226,883,891, C>T. VCF-style: chr1-226883891-C-T. GRCh37 (hg19) VCF-style: chr1-227071592-C-T.
Other names: c.328C>T (NM_000447.2); c.328C>T, p.Arg110Cys (NM_012486.3); short protein forms R110C.
Identifiers: ClinVar variation 2047817 (VCV002047817.6), dbSNP rs199808788, ClinGen allele CA39091519.

ClinVar aggregate classification (germline): Uncertain significance. Review status: criteria provided, multiple submitters, no conflicts (2 of 4 stars). 3 submissions from 3 submitters: Uncertain significance (2). 1 of the submissions does not count toward it. Last evaluated 2026-04-23.

Conditions:
Inborn genetic diseases. Identifiers: MedGen C0950123, MeSH D030342.
Alzheimer disease 4 (AD4). Identifiers: Orphanet 1020, MedGen C1847200, MONDO:0011743, OMIM 606889.

Allele frequency attached by ClinVar (database versions not stated): gnomAD exomes 0.00001; TOPMed 0.00003; gnomAD 0.00002.

Submissions (3):

Ambry Genetics
Classification: Uncertain significance for Inborn genetic diseases. Last evaluated: 2026-04-23. Review status: criteria provided, single submitter. Criteria: Ambry Variant Classification Scheme 2023. Collection method: clinical testing. Allele origin: germline.
Comment: The c.328C>T (p.R110C) alteration is located in exon 5 (coding exon 2) of the PSEN2 gene. This alteration results from a C to T substitution at nucleotide position 328, causing the arginine (R) at amino acid position 110 to be replaced by a cysteine (C). Based on data from gnomAD, the T allele has an overall frequency of 0.001% (3/282002) total alleles studied. The highest observed frequency was 0.006% (2/35428) of Latino alleles. This amino acid position is not well conserved in available vertebrate species. This alteration is predicted to be deleterious by in silico analysis. Based on insufficient or conflicting evidence, the clinical significance of this alteration remains unclear.

Labcorp Genetics (formerly Invitae), Labcorp
Classification: Uncertain significance for Alzheimer disease 4. Last evaluated: 2022-03-04. Review status: criteria provided, single submitter. Criteria: Invitae Variant Classification Sherloc (09022015). Collection method: clinical testing. Allele origin: germline.
Comment: This sequence change replaces arginine, which is basic and polar, with cysteine, which is neutral and slightly polar, at codon 110 of the PSEN2 protein (p.Arg110Cys). This variant is present in population databases (rs199808788, gnomAD 0.006%). This variant has not been reported in the literature in individuals affected with PSEN2-related conditions. Algorithms developed to predict the effect of missense changes on protein structure and function are either unavailable or do not agree on the potential impact of this missense change (SIFT: "Deleterious"; PolyPhen-2: "Possibly Damaging"; Align-GVGD: "Class C15"). In summary, the available evidence is currently insufficient to determine the role of this variant in disease. Therefore, it has been classified as a Variant of Uncertain Significance.

Medical Genetics Unit, Mauro Baschirotto Institute for Rare Disease
Classification: Uncertain significance for Alzheimer disease 4. Last evaluated: 2026-04-20. Review status: no assertion criteria provided. Collection method: clinical testing. Allele origin: germline. Affected: yes. Observed: 1 variant allele. Not counted in ClinVar's aggregate classification.
Comment: This variant was interpreted by the AD-FTD Italian Consortium, including the following participating institutions: Mauro Baschirotto Institute for Rare Disease, Medical Genetics Unit (Dr Paola de Gemmis, Dr Daniela Segat, Dr Chiara Stefani); Neurology Unit, Department of Biomedicine, Neurosciences and Advanced Diagnostics, University of Palermo, Italy (Dr Tommaso Piccoli); Neurology Unit, Santa Maria della Misericordia Hospital, Perugia, Italy (Dr Lorenzo Gaetani). The participating laboratories jointly contributed to patient recruitment, clinical data collection, and variant interpretation and classification. The variant c.328C>T in PSEN2, results in a missense substitution of the basic polar arginine with the neutral polar cysteine at codon 110 of the PSEN2 protein (p.Arg110Cys). It is reported in gnomAD with an overall allele frequency of 0.001400%, with no homozygous individuals observed. Computational prediction scores include SIFT prediction (uncertain, score 0.005), FATHMM prediction (deleterious moderate, score -6.11), Mutation taster (deleterious, score 1) and REVEL (deleterious moderate, score 0.79). The PSEN2 gene encodes presenilin-2, which is a component of the gamma-secretase complex. This complex is integral to the processing of several type-1 transmembrane proteins, including the amyloid precursor protein (APP). The cleavage of APP by gamma-secretase is a critical step in the production of amyloid-beta (Aβ) peptides, which are associated with the pathogenesis of Alzheimer's disease. Taken together all of these data suggest an uncertain significance classification for this variant.